The following is an entry in ClinVar:

NM_004706.4(ARHGEF1):c.934C>T (p.Arg312Trp)

Gene: ARHGEF1 (Rho guanine nucleotide exchange factor 1; plus strand). Cytogenetic location: 19q13.2.
Variant type: single nucleotide variant.
Coding change: c.934C>T on transcript NM_004706.4 (MANE Select); coding-DNA position 934, C replaced by T.
Protein change: p.Arg312Trp; replaces arginine 312 with tryptophan.
Molecular consequence: missense variant. On other transcripts: non-coding transcript variant (2).
Genome position (GRCh38, 1-based): chr19:41,895,405, C>T. VCF-style: chr19-41895405-C-T. GRCh37 (hg19) VCF-style: chr19-42399478-C-T.
Other names: c.934C>T, p.Arg312Trp (NM_001396000.1, NM_001396003.1, NM_001396006.1); c.835C>T, p.Arg279Trp (NM_001396002.1, NM_001396004.1, NM_198977.2); c.979C>T, p.Arg327Trp (NM_199002.2); short protein forms R327W, R279W, R312W.
Identifiers: ClinVar variation 1952170 (VCV001952170.5), dbSNP rs782161306, ClinGen allele CA9466120.
Genomic context (GRCh38, chr19:41,895,405, plus strand): 5'-CCAGCCGAGAAGCCAGGTGCTACAGACCGGAAGGGAGGCGTGGGGATGCCCTCTCGGGAC[C>T]GGAATATCGGGGCTCCTGGGCAGGACACCCCTGGAGTCTCTCTGCACCCTCTGTCCCTGG-3'
Protein context (NP_004697.2, residues 302-322): KGGVGMPSRD[Arg312Trp]NIGAPGQDTP

ClinVar aggregate classification (germline): Uncertain significance (1 of 4 stars; one submission).

Allele frequency attached by ClinVar (database versions not stated): gnomAD 0.00003; gnomAD exomes 0.00001; TOPMed 0.00003; ExAC 0.00004.

Submission:

Labcorp Genetics (formerly Invitae), Labcorp
Classification: Uncertain significance. Last evaluated: 2025-03-03. Review status: criteria provided, single submitter. Criteria: Invitae Variant Classification Sherloc (09022015). Collection method: clinical testing. Allele origin: germline.
Comment: This sequence change replaces arginine, which is basic and polar, with tryptophan, which is neutral and slightly polar, at codon 327 of the ARHGEF1 protein (p.Arg327Trp). This variant is present in population databases (rs782161306, gnomAD 0.02%). This variant has not been reported in the literature in individuals affected with ARHGEF1-related conditions. ClinVar contains an entry for this variant (Variation ID: 1952170). An algorithm developed to predict the effect of missense changes on protein structure and function (PolyPhen-2) suggests that this variant is likely to be disruptive. In summary, the available evidence is currently insufficient to determine the role of this variant in disease. Therefore, it has been classified as a Variant of Uncertain Significance.